The following is an entry in ClinVar:

NM_000440.3(PDE6A):c.2507-2dup

Gene: PDE6A (phosphodiesterase 6A; minus strand). Cytogenetic location: 5q32.
Variant type: Duplication.
Coding change: c.2507-2dup on transcript NM_000440.3 (MANE Select); the canonical splice acceptor site of the intron before coding-DNA position 2507, one base duplicated (A; older notation c.2507-2dupA).
Molecular consequence: splice acceptor variant.
Genome position (GRCh38, 1-based): chr5:149,860,973, T duplicated on the plus strand (A on the coding strand, the reverse complement: PDE6A is on the minus strand). VCF-style (leftmost placement, unchanged base first): chr5-149860972-C-CT. GRCh37 (hg19) VCF-style: chr5-149240535-C-CT.
Other names: c.2264-2dup (NM_001410788.1); c.2507-2dupA (NM_000440.2).
Identifiers: ClinVar variation 4972458 (VCV004972458.2).

ClinVar aggregate classification (germline): Uncertain significance. Review status: criteria provided, multiple submitters, no conflicts (2 of 4 stars). 2 submissions from 2 submitters: Uncertain significance (2). Last evaluated 2025-07-30.

Conditions:
PDE6A-related disorder. Also called: PDE6A-related condition.

Submissions (2):

PreventionGenetics, part of Exact Sciences
Classification: Uncertain significance for PDE6A-related condition. Last evaluated: 2025-07-30. Review status: criteria provided, single submitter. Criteria: ACMG Guidelines, 2015. Collection method: clinical testing. Allele origin: germline.
Comment: The PDE6A c.2507-2dupA variant is predicted to result in an intronic duplication. To our knowledge, this variant has not been reported in individuals with inherited retinal disease. This variant is reported in 0.0033% of alleles in individuals of South Asian descent in gnomAD. This variant is interpreted as no interpretation set.

Blueprint Genetics
Classification: Uncertain significance. Last evaluated: 2020-02-07. Review status: criteria provided, single submitter. Criteria: ACMG Guidelines, 2015. Collection method: clinical testing. Allele origin: germline.